The following is an entry in ClinVar:

ClinVar aggregate classification (germline): Uncertain significance (1 of 4 stars; one submission).

Conditions:
Immunodeficiency. Identifiers: MedGen C0021051, MONDO:0021094, HP:0002721.

Submission:

Labcorp Genetics (formerly Invitae), Labcorp
Classification: Uncertain significance for Immunodeficiency. Last evaluated: 2024-08-05. Review status: criteria provided, single submitter. Criteria: Invitae Variant Classification Sherloc (09022015). Collection method: clinical testing. Allele origin: germline.
Comment: This variant results in the deletion of part of exon 15 (c.4133-25_4150del) of the NFAT5 gene. It affects a nucleotide within the consensus splice site. This variant is present in population databases (no rsID available, gnomAD 0.007%). This variant has not been reported in the literature in individuals affected with NFAT5-related conditions. Variants that disrupt the consensus splice site are a relatively common cause of aberrant splicing (PMID: 17576681, 9536098). In summary, the available evidence is currently insufficient to determine the role of this variant in disease. Therefore, it has been classified as a Variant of Uncertain Significance.

Literature cited by the submitters: PubMed 17576681; PubMed 9536098.

NM_138713.4(NFAT5):c.4415-25_4432del

Gene: NFAT5 (nuclear factor of activated T cells 5; plus strand). Cytogenetic location: 16q22.1.
Variant type: Deletion.
Coding change: c.4415-25_4432del on transcript NM_138713.4 (MANE Select); 25 bases into the intron before coding-DNA position 4415 through coding-DNA position 4432, 43 bases deleted.
Molecular consequence: splice acceptor variant.
Genome position (GRCh38, 1-based): chr16:69,695,111-69,695,153, 43 bases deleted; deleting any 43 consecutive bases within chr16:69,695,086-69,695,153 gives the same sequence; the c. name uses the placement nearest the transcript's 3' end. GRCh37 (hg19): chr16:69,729,014-69,729,056.
Other names: c.4133-25_4150del (NM_138714.4, NM_173214.3, NM_173215.3); c.4412-25_4429del (NM_001113178.3); c.4361-25_4378del (NM_006599.4); c.3740-25_3757del (NM_001367709.1).
Identifiers: ClinVar variation 3619078 (VCV003619078.2).